The following is an entry in ClinVar:

NM_015338.6(ASXL1):c.3460G>C (p.Gly1154Arg)

Gene: ASXL1 (ASXL transcriptional regulator 1; plus strand). Cytogenetic location: 20q11.21.
Variant type: single nucleotide variant.
Coding change: c.3460G>C on transcript NM_015338.6 (MANE Select); coding-DNA position 3460, G replaced by C.
Protein change: p.Gly1154Arg; replaces glycine 1154 with arginine.
Molecular consequence: missense variant.
Genome position (GRCh38, 1-based): chr20:32,436,172, G>C. VCF-style: chr20-32436172-G-C. GRCh37 (hg19) VCF-style: chr20-31023975-G-C.
Other names: c.3277G>C, p.Gly1093Arg (NM_001363734.1); short protein forms G1093R, G1154R.
Identifiers: ClinVar variation 1366280 (VCV001366280.29), dbSNP rs199571804, ClinGen allele CA9808831.

ClinVar aggregate classification (germline): Benign/Likely benign. Review status: criteria provided, multiple submitters, no conflicts (2 of 4 stars). 2 submissions from 2 submitters: Benign (1); Likely benign (1). Last evaluated 2026-01-26.

Allele frequency attached by ClinVar (database versions not stated): ExAC 0.00006; gnomAD exomes 0.00006; TOPMed 0.00006; ESP Exome Variant Server 0.00015; 1000 Genomes Project 30x 0.00016; 1000 Genomes Project 0.00020.
gnomAD v4.1: 137 of 1,614,200 alleles (0.0085%); highest among the groups gnomAD compares: Non-Finnish European, 0.011%; no homozygotes.

Submissions (2):

Labcorp Genetics (formerly Invitae), Labcorp
Classification: Benign. Last evaluated: 2026-01-26. Review status: criteria provided, single submitter. Criteria: Invitae Variant Classification Sherloc (09022015). Collection method: clinical testing. Allele origin: germline.

CeGaT Center for Human Genetics Tuebingen
Classification: Likely benign. Last evaluated: 2024-01-01. Review status: criteria provided, single submitter. Criteria: CeGaT Center For Human Genetics Tuebingen Variant Classification Criteria Version 2. Collection method: clinical testing. Allele origin: germline. Affected: yes. Observed: 1 variant allele.
Comment: ASXL1: BP4